The following is an entry in ClinVar:

ClinVar aggregate classification (germline): Conflicting classifications of pathogenicity. Review status: criteria provided, conflicting classifications (1 of 4 stars). 5 submissions from 5 submitters: Uncertain significance (3); Likely benign (2). Last evaluated 2025-12-15.

Conditions:
Episodic ataxia type 2 (EA2). Also called: ACETAZOLAMIDE-RESPONSIVE HEREDITARY PAROXYSMAL CEREBELLAR ATAXIA; ATAXIA, EPISODIC, WITH NYSTAGMUS; ATAXIA, FAMILIAL PAROXYSMAL; CEREBELLAR ATAXIA, PAROXYSMAL, ACETAZOLAMIDE-RESPONSIVE; CEREBELLOPATHY, HEREDITARY PAROXYSMAL; EPISODIC ATAXIA, NYSTAGMUS-ASSOCIATED. Identifiers: Orphanet 97, MedGen C1720416, MONDO:0007163, OMIM 108500.
Inborn genetic diseases. Identifiers: MedGen C0950123, MeSH D030342.
Developmental and epileptic encephalopathy, 42 (DEE42A). Also called: DEVELOPMENTAL AND EPILEPTIC ENCEPHALOPATHY 42A; EPILEPTIC ENCEPHALOPATHY, EARLY INFANTILE, 42A; Epileptic encephalopathy, early infantile, 42. Identifiers: MedGen C4310716, MONDO:0014917, OMIM 617106.

Allele frequency attached by ClinVar (database versions not stated): gnomAD exomes 0.00003; gnomAD 0.00004; TOPMed 0.00005.
gnomAD v4.1: 58 of 1,537,392 alleles (0.0038%); highest among the groups gnomAD compares: Admixed American, 0.0059%; no homozygotes.

Submissions (5):

Labcorp Genetics (formerly Invitae), Labcorp
Classification: Uncertain significance for Developmental and epileptic encephalopathy, 42; Episodic ataxia type 2. Last evaluated: 2025-12-15. Review status: criteria provided, single submitter. Criteria: Invitae Variant Classification Sherloc (09022015). Collection method: clinical testing. Allele origin: germline.
Comment: This sequence change replaces arginine, which is basic and polar, with tryptophan, which is neutral and slightly polar, at codon 2202 of the CACNA1A protein (p.Arg2202Trp). The frequency data for this variant in the population databases is considered unreliable, as metrics indicate poor data quality at this position in the gnomAD database. This missense change has been observed in individual(s) with hemiplegic migraine (PMID: 37148334). This variant is also known as c.6601C>T (p.Arg2201Trp). ClinVar contains an entry for this variant (Variation ID: 380390). Invitae Evidence Modeling of protein sequence and biophysical properties (such as structural, functional, and spatial information, amino acid conservation, physicochemical variation, residue mobility, and thermodynamic stability) has been performed for this missense variant. However, the output from this modeling did not meet the statistical confidence thresholds required to predict the impact of this variant on CACNA1A protein function. In summary, the available evidence is currently insufficient to determine the role of this variant in disease. Therefore, it has been classified as a Variant of Uncertain Significance.

GeneDx
Classification: Uncertain significance. Last evaluated: 2025-07-03. Review status: criteria provided, single submitter. Criteria: GeneDx Variant Classification Process June 2021. Collection method: clinical testing. Allele origin: germline. Affected: yes.
Comment: In silico analysis supports that this missense variant has a deleterious effect on protein structure/function; This variant is associated with the following publications: (PMID: 37148334)

Ambry Genetics
Classification: Likely benign for Inborn genetic diseases. Last evaluated: 2023-02-22. Review status: criteria provided, single submitter. Criteria: Ambry Variant Classification Scheme 2023. Collection method: clinical testing. Allele origin: germline.

CeGaT Center for Human Genetics Tuebingen
Classification: Uncertain significance. Last evaluated: 2020-04-01. Review status: criteria provided, single submitter. Criteria: CeGaT Center For Human Genetics Tuebingen Variant Classification Criteria Version 2. Collection method: clinical testing. Allele origin: germline. Affected: yes. Observed: 1 variant allele.

Mendelics
Classification: Likely benign for Episodic ataxia type 2. Last evaluated: 2019-05-28. Review status: criteria provided, single submitter. Criteria: Mendelics Assertion Criteria 2017. Collection method: clinical testing. Allele origin: unknown.

Literature cited by the submitters: PubMed 37148334 (cited by Labcorp Genetics (formerly Invitae), Labcorp).

NM_001127222.2(CACNA1A):c.6601C>T (p.Arg2201Trp)

Gene: CACNA1A (calcium voltage-gated channel subunit alpha1 A; minus strand). Cytogenetic location: 19p13.13.
Variant type: single nucleotide variant.
Coding change: c.6601C>T on transcript NM_001127222.2 (MANE Select); coding-DNA position 6601, C replaced by T.
Protein change: p.Arg2201Trp; replaces arginine 2201 with tryptophan.
Molecular consequence: missense variant.
Genome position (GRCh38, 1-based): chr19:13,208,935, G>A on the plus strand (C>T on the coding strand, the complement: CACNA1A is on the minus strand). VCF-style: chr19-13208935-G-A. GRCh37 (hg19) VCF-style: chr19-13319749-G-A.
Other names: c.6619C>T, p.Arg2207Trp (NM_000068.4, NM_023035.3); c.6604C>T, p.Arg2202Trp (NM_001127221.2); c.6610C>T, p.Arg2204Trp (NM_001174080.2); short protein forms R2202W, R2207W, R2201W, R2204W.
Identifiers: ClinVar variation 380390 (VCV000380390.52), dbSNP rs1032588483, ClinGen allele CA16608886.
Genomic context (GRCh38, chr19:13,208,935, plus strand): 5'-GGGGATGGTGGTGGTGGTGGTGGTGGTGGTGGTGCTGTCGATGCTTCCGATCCTTGGGCC[G>A]GCCCCGCTCCTGGTCCCGCTCCTTCGACGGCAGGTCCCCGGATTGGGTGGTCATGCTCAG-3'
Protein context (NP_001120694.1, residues 2191-2211): PSKERDQERG[Arg2201Trp]PKDRKHRQHH